The following is an entry in ClinVar:

ClinVar aggregate classification (germline): Uncertain significance (1 of 4 stars; one submission).

Allele frequency attached by ClinVar (database versions not stated): ExAC 0.00001; gnomAD exomes 0.00001.
gnomAD v4.1: 4 of 1,614,108 alleles (0.00025%); highest among the groups gnomAD compares: East Asian, 0.0022%; no homozygotes.

Submission:

Labcorp Genetics (formerly Invitae), Labcorp
Classification: Uncertain significance. Last evaluated: 2023-03-17. Review status: criteria provided, single submitter. Criteria: Invitae Variant Classification Sherloc (09022015). Collection method: clinical testing. Allele origin: germline.
Comment: This sequence change replaces threonine, which is neutral and polar, with isoleucine, which is neutral and non-polar, at codon 2456 of the KMT2A protein (p.Thr2456Ile). In summary, the available evidence is currently insufficient to determine the role of this variant in disease. Therefore, it has been classified as a Variant of Uncertain Significance. Advanced modeling of protein sequence and biophysical properties (such as structural, functional, and spatial information, amino acid conservation, physicochemical variation, residue mobility, and thermodynamic stability) performed at Invitae indicates that this missense variant is not expected to disrupt KMT2A protein function. ClinVar contains an entry for this variant (Variation ID: 1976851). This variant has not been reported in the literature in individuals affected with KMT2A-related conditions. This variant is present in population databases (rs782162747, gnomAD 0.0009%).

NM_001197104.2(KMT2A):c.7367C>T (p.Thr2456Ile)

Gene: KMT2A (lysine methyltransferase 2A; plus strand). Cytogenetic location: 11q23.3.
Variant type: single nucleotide variant.
Coding change: c.7367C>T on transcript NM_001197104.2 (MANE Select); coding-DNA position 7367, C replaced by T.
Protein change: p.Thr2456Ile; replaces threonine 2456 with isoleucine.
Molecular consequence: missense variant.
Genome position (GRCh38, 1-based): chr11:118,503,259, C>T. VCF-style: chr11-118503259-C-T. GRCh37 (hg19) VCF-style: chr11-118373974-C-T.
Other names: c.7457C>T, p.Thr2486Ile (NM_001412597.1); c.7358C>T, p.Thr2453Ile (NM_005933.4); short protein forms T2456I, T2453I, T2486I.
Identifiers: ClinVar variation 1976851 (VCV001976851.5), dbSNP rs782162747, ClinGen allele CA6304394.